The following is an entry in ClinVar:

ClinVar aggregate classification (germline): Conflicting classifications of pathogenicity. Review status: criteria provided, conflicting classifications (1 of 4 stars). 4 submissions from 4 submitters: Uncertain significance (2); Benign (1); Likely benign (1). Last evaluated 2025-05-05.

Conditions:
KMT2D-related disorder. Also called: KMT2D-Related Disorders.
Inborn genetic diseases. Identifiers: MedGen C0950123, MeSH D030342.
Kabuki syndrome. Also called: NIIKAWA-KUROKI SYNDROME; Kabuki make-up syndrome. Identifiers: Orphanet 2322, MedGen C0796004, MONDO:0016512.
Kabuki syndrome 1 (KABUK1). Also called: KMT2D-Related Kabuki Syndrome. Identifiers: Orphanet 2322, MedGen CN030661, MONDO:0007843, OMIM 147920.

Allele frequency attached by ClinVar (database versions not stated): TOPMed below 0.00001; gnomAD 0.00001; gnomAD exomes 0.00001 and 0.00005.
gnomAD v4.1: 10 of 1,550,760 alleles (0.00064%); highest among the groups gnomAD compares: Admixed American, 0.018%; no homozygotes.

Submissions (4):

Labcorp Genetics (formerly Invitae), Labcorp
Classification: Benign for Kabuki syndrome. Last evaluated: 2025-05-05. Review status: criteria provided, single submitter. Criteria: Invitae Variant Classification Sherloc (09022015). Collection method: clinical testing. Allele origin: germline.

PreventionGenetics, part of Exact Sciences
Classification: Uncertain significance for KMT2D-related condition. Last evaluated: 2023-01-26. Review status: criteria provided, single submitter. Criteria: ACMG Guidelines, 2015. Collection method: clinical testing. Allele origin: germline.
Comment: The KMT2D c.11690T>C variant is predicted to result in the amino acid substitution p.Leu3897Ser. This variant was reported in an individual with Kabuki syndrome (Table S5 - Makrythanasis et al. 2013. PubMed ID: 23320472). This variant is reported in 0.032% of alleles in individuals of Latino descent in gnomAD. At this time, the clinical significance of this variant is uncertain due to the absence of conclusive functional and genetic evidence.

Ambry Genetics
Classification: Likely benign for Inborn genetic diseases. Last evaluated: 2022-03-23. Review status: criteria provided, single submitter. Criteria: Ambry Variant Classification Scheme 2023. Collection method: clinical testing. Allele origin: germline.

Fulgent Genetics
Classification: Uncertain significance for Kabuki syndrome 1. Last evaluated: 2021-12-06. Review status: criteria provided, single submitter. Criteria: ACMG Guidelines, 2015. Collection method: clinical testing. Allele origin: unknown.

NM_003482.4(KMT2D):c.11690T>C (p.Leu3897Ser)

Gene: KMT2D (lysine methyltransferase 2D; minus strand). Cytogenetic location: 12q13.12.
Variant type: single nucleotide variant.
Coding change: c.11690T>C on transcript NM_003482.4 (MANE Select); coding-DNA position 11690, T replaced by C.
Protein change: p.Leu3897Ser; replaces leucine 3897 with serine.
Molecular consequence: missense variant.
Genome position (GRCh38, 1-based): chr12:49,033,015, A>G on the plus strand (T>C on the coding strand, the complement: KMT2D is on the minus strand). VCF-style: chr12-49033015-A-G. GRCh37 (hg19) VCF-style: chr12-49426798-A-G.
Other names: c.11690T>C (NM_003482.3); short protein forms L3897S.
Identifiers: ClinVar variation 1436484 (VCV001436484.8), dbSNP rs1342235871, ClinGen allele CA384716569.